The following is an entry in ClinVar:

NM_178857.6(RP1L1):c.2645G>A (p.Arg882Gln)

Gene: RP1L1 (RP1 like 1). Cytogenetic location: 8p23.1.
Variant type: single nucleotide variant.
Coding change: c.2645G>A on transcript NM_178857.6 (MANE Select); coding-DNA position 2645, G replaced by A.
Protein change: p.Arg882Gln; replaces arginine 882 with glutamine.
Molecular consequence: missense variant.
Genome position (GRCh38, 1-based): chr8:10,611,453, C>T on the plus strand (G>A on the coding strand, the complement: RP1L1 is on the minus strand). VCF-style: chr8-10611453-C-T. GRCh37 (hg19) VCF-style: chr8-10468963-C-T.
Other names: short protein forms R882Q.
Identifiers: ClinVar variation 2504383 (VCV002504383.3), dbSNP rs561163301, ClinGen allele CA4624758.
Genomic context (GRCh38, chr8:10,611,453, plus strand): 5'-CCTGGGGACGGCGTGGGGCCTGGCTGGCGTGTCCCCTCCTGCGGGCTCCCACCTGGCCCC[C>T]GGGCAGTGCTTTGGTGGCTGCTGCCGGTGCTCCCACAGCTGGAAGAGCGCCTCTGGGGGC-3'
Protein context (NP_849188.4, residues 872-892): STGSSHQSTA[Arg882Gln]GPGGSPQEGT

ClinVar aggregate classification (germline): Conflicting classifications of pathogenicity. Review status: criteria provided, conflicting classifications (1 of 4 stars). 3 submissions from 3 submitters: Uncertain significance (2); Likely benign (1). Last evaluated 2025-04-27.

Conditions:
RP1L1-related disorder. Also called: RP1L1-related condition.

Allele frequency attached by ClinVar (database versions not stated): TOPMed 0.00012; gnomAD 0.00017.
gnomAD v4.1: 140 of 1,570,528 alleles (0.0089%); highest among the groups gnomAD compares: African/African-American, 0.034%; no homozygotes.

Submissions (3):

PreventionGenetics, part of Exact Sciences
Classification: Uncertain significance for RP1L1-related condition. Last evaluated: 2025-04-27. Review status: criteria provided, single submitter. Criteria: ACMG Guidelines, 2015. Collection method: clinical testing. Allele origin: germline.
Comment: The RP1L1 c.2645G>A variant is predicted to result in the amino acid substitution p.Arg882Gln. To our knowledge, this variant has not been reported in the literature. An alternate nucleotide change impacting the same amino acid position (p.Arg882Gly) has been reported in an individual with unspecified retinal disease, but they also had two variants in ABCA4 (Supplementary table 1, Weisschuh et al. 2024. PubMed ID: 37734845). This variant is reported in 0.017% of alleles in individuals of African descent in gnomAD. At this time, the clinical significance of this variant is uncertain due to the absence of conclusive functional and genetic evidence.

Laboratory of Genetics, Children's Clinical University Hospital Latvia
Classification: Likely benign. Last evaluated: 2025-02-16. Review status: criteria provided, single submitter. Criteria: ACMG Guidelines, 2015. Collection method: clinical testing. Allele origin: germline. Affected: yes.

GeneDx
Classification: Uncertain significance. Last evaluated: 2022-12-01. Review status: criteria provided, single submitter. Criteria: GeneDx Variant Classification Process June 2021. Collection method: clinical testing. Allele origin: germline. Affected: yes.
Comment: In silico analysis supports that this missense variant does not alter protein structure/function; Has not been previously published as pathogenic or benign to our knowledge